The following is an entry in ClinVar:

ClinVar aggregate classification (germline): Uncertain significance (1 of 4 stars; one submission).

Conditions:
Chédiak-Higashi syndrome (CHS). Also called: Chediak-Higashi Syndrome. Identifiers: Orphanet 167, MedGen C0007965, MONDO:0008963, OMIM 214500.

Allele frequency attached by ClinVar (database versions not stated): gnomAD exomes below 0.00001; TOPMed 0.00001.
gnomAD v4.1: 6 of 1,613,854 alleles (0.00037%); highest among the groups gnomAD compares: Non-Finnish European, 0.00042%; no homozygotes.

Submission:

Labcorp Genetics (formerly Invitae), Labcorp
Classification: Uncertain significance for Chédiak-Higashi syndrome. Last evaluated: 2022-07-16. Review status: criteria provided, single submitter. Criteria: Invitae Variant Classification Sherloc (09022015). Collection method: clinical testing. Allele origin: germline.
Comment: This sequence change replaces aspartic acid, which is acidic and polar, with glycine, which is neutral and non-polar, at codon 2889 of the LYST protein (p.Asp2889Gly). This variant is present in population databases (no rsID available, gnomAD 0.0009%). This variant has not been reported in the literature in individuals affected with LYST-related conditions. Algorithms developed to predict the effect of missense changes on protein structure and function are either unavailable or do not agree on the potential impact of this missense change (SIFT: "Tolerated"; PolyPhen-2: "Probably Damaging"; Align-GVGD: "Class C0"). In summary, the available evidence is currently insufficient to determine the role of this variant in disease. Therefore, it has been classified as a Variant of Uncertain Significance.

NM_000081.4(LYST):c.8666A>G (p.Asp2889Gly)

Gene: LYST (lysosomal trafficking regulator; minus strand). Cytogenetic location: 1q42.3.
Variant type: single nucleotide variant.
Coding change: c.8666A>G on transcript NM_000081.4 (MANE Select); coding-DNA position 8666, A replaced by G.
Protein change: p.Asp2889Gly; replaces aspartic acid 2889 with glycine.
Molecular consequence: missense variant.
Genome position (GRCh38, 1-based): chr1:235,733,638, T>C on the plus strand (A>G on the coding strand, the complement: LYST is on the minus strand). VCF-style: chr1-235733638-T-C. GRCh37 (hg19) VCF-style: chr1-235896938-T-C.
Other names: c.8666A>G, p.Asp2889Gly (NM_001301365.1); short protein forms D2889G.
Identifiers: ClinVar variation 1919763 (VCV001919763.2), dbSNP rs935249973, ClinGen allele CA39598980.
Genomic context (GRCh38, chr1:235,733,638, plus strand): 5'-ATATGCTGGATCACCTTTTTTCTCTCATTTCCTTGGGAGAGAGACACTGCCTGGGTGATA[T>C]CTGCAGCTATTTTAGATATATCCTTTGATTTTGAATCCAGACGCTGAAAGAGACTAAACA-3'
Protein context (NP_000072.2, residues 2879-2899): KSKDISKIAA[Asp2889Gly]ITQAVSLSQG